The following is an entry in ClinVar:

ClinVar aggregate classification (germline): Likely benign (1 of 4 stars; one submission).

gnomAD v4.1: 2,727 of 1,613,194 alleles (0.17%); highest among the groups gnomAD compares: Admixed American, 0.44%; 4 homozygotes.

Submission:

CeGaT Center for Human Genetics Tuebingen
Classification: Likely benign. Last evaluated: 2026-01-01. Review status: criteria provided, single submitter. Criteria: CeGaT Center For Human Genetics Tuebingen Variant Classification Criteria Version 2. Collection method: clinical testing. Allele origin: germline. Affected: yes. Observed: 1 variant allele.
Comment: AMIGO3: BP4, BP7

NM_198722.3(AMIGO3):c.1494C>T (p.Ser498=)

Genes: AMIGO3 (adhesion molecule with Ig like domain 3; minus strand), RNF123 (ring finger protein 123; plus strand). Cytogenetic location: 3p21.31.
Variant type: single nucleotide variant.
Coding change: c.1494C>T on transcript NM_198722.3 (MANE Select); coding-DNA position 1494, C replaced by T.
Protein change: p.Ser498=; no amino-acid change (serine 498 retained).
Molecular consequence: synonymous variant. On other transcripts: intron variant (1).
Genome position (GRCh38, 1-based): chr3:49,717,972, G>A on the plus strand (C>T on the coding strand, the complement: AMIGO3 is on the minus strand). VCF-style: chr3-49717972-G-A. GRCh37 (hg19) VCF-style: chr3-49755405-G-A.
Other names: c.3500+1495G>A (NM_022064.5).
Identifiers: ClinVar variation 4820763 (VCV004820763.4).